The following is an entry in ClinVar:

NM_145290.4(ADGRA3):c.4G>A (p.Glu2Lys)

Gene: ADGRA3 (adhesion G protein-coupled receptor A3; minus strand). Cytogenetic location: 4p15.2.
Variant type: single nucleotide variant.
Coding change: c.4G>A on transcript NM_145290.4 (MANE Select); coding-DNA position 4, G replaced by A.
Protein change: p.Glu2Lys; replaces glutamic acid 2 with lysine.
Molecular consequence: missense variant.
Genome position (GRCh38, 1-based): chr4:22,515,781, C>T on the plus strand (G>A on the coding strand, the complement: ADGRA3 is on the minus strand). VCF-style: chr4-22515781-C-T. GRCh37 (hg19) VCF-style: chr4-22517404-C-T.
Other names: short protein forms E2K.
Identifiers: ClinVar variation 3699788 (VCV003699788.2).

ClinVar aggregate classification (germline): Uncertain significance (1 of 4 stars; one submission).

Submission:

Labcorp Genetics (formerly Invitae), Labcorp
Classification: Uncertain significance. Last evaluated: 2024-12-07. Review status: criteria provided, single submitter. Criteria: Invitae Variant Classification Sherloc (09022015). Collection method: clinical testing. Allele origin: germline.
Comment: This sequence change replaces glutamic acid, which is acidic and polar, with lysine, which is basic and polar, at codon 2 of the ADGRA3 protein (p.Glu2Lys). The frequency data for this variant in the population databases is considered unreliable, as metrics indicate insufficient coverage at this position in the gnomAD database. This variant has not been reported in the literature in individuals affected with ADGRA3-related conditions. An algorithm developed to predict the effect of missense changes on protein structure and function outputs the following: PolyPhen-2: "Not Available". The lysine amino acid residue is found in multiple mammalian species, which suggests that this missense change does not adversely affect protein function. In summary, the available evidence is currently insufficient to determine the role of this variant in disease. Therefore, it has been classified as a Variant of Uncertain Significance.